The following is an entry in ClinVar:

ClinVar aggregate classification (germline): Uncertain significance (1 of 4 stars; one submission).

Submission:

Labcorp Genetics (formerly Invitae), Labcorp
Classification: Uncertain significance. Last evaluated: 2025-04-11. Review status: criteria provided, single submitter. Criteria: Invitae Variant Classification Sherloc (09022015). Collection method: clinical testing. Allele origin: germline.
Comment: This sequence change replaces arginine, which is basic and polar, with lysine, which is basic and polar, at codon 545 of the SLC7A14 protein (p.Arg545Lys). This variant is not present in population databases (gnomAD no frequency). This variant has not been reported in the literature in individuals affected with SLC7A14-related conditions. An algorithm developed to predict the effect of missense changes on protein structure and function (PolyPhen-2) suggests that this variant is likely to be tolerated. In summary, the available evidence is currently insufficient to determine the role of this variant in disease. Therefore, it has been classified as a Variant of Uncertain Significance.

NM_020949.3(SLC7A14):c.1634G>A (p.Arg545Lys)

Genes: SLC7A14 (solute carrier family 7 member 14; minus strand), SLC7A14-AS1 (SLC7A14 antisense RNA 1; plus strand). Cytogenetic location: 3q26.2.
Variant type: single nucleotide variant.
Coding change: c.1634G>A on transcript NM_020949.3 (MANE Select); coding-DNA position 1634, G replaced by A.
Protein change: p.Arg545Lys; replaces arginine 545 with lysine.
Molecular consequence: missense variant.
Genome position (GRCh38, 1-based): chr3:170,480,648, C>T on the plus strand (G>A on the coding strand, the complement: SLC7A14 is on the minus strand). VCF-style: chr3-170480648-C-T. GRCh37 (hg19) VCF-style: chr3-170198437-C-T.
Other names: short protein forms R545K.
Identifiers: ClinVar variation 4717329 (VCV004717329.1).